The following is an entry in ClinVar:

NM_006348.5(COG5):c.1432C>T (p.Pro478Ser)

Gene: COG5 (component of oligomeric golgi complex 5; minus strand). Cytogenetic location: 7q22.3.
Variant type: single nucleotide variant.
Coding change: c.1432C>T on transcript NM_006348.5 (MANE Select); coding-DNA position 1432, C replaced by T.
Protein change: p.Pro478Ser; replaces proline 478 with serine.
Molecular consequence: missense variant. On other transcripts: intron variant (1).
Genome position (GRCh38, 1-based): chr7:107,283,614, G>A on the plus strand (C>T on the coding strand, the complement: COG5 is on the minus strand). VCF-style: chr7-107283614-G-A. GRCh37 (hg19) VCF-style: chr7-106924059-G-A.
Other names: c.1432C>T, p.Pro478Ser (NM_001161520.2, NM_001379512.1, NM_001379513.1 and 2 more transcripts); c.862C>T, p.Pro288Ser (NM_001379515.1); c.718C>T, p.Pro240Ser (NM_001379516.1); c.1314-2215C>T (NM_001379511.1); short protein forms P240S, P288S, P478S.
Identifiers: ClinVar variation 1429774 (VCV001429774.6), dbSNP rs1279772707, ClinGen allele CA368938110.
Genomic context (GRCh38, chr7:107,283,614, plus strand): 5'-ATATAAAAAATACATACCTTGCTATAGTTTTAATAATACCATCAAGTTCATCAGAGGAAG[G>A]AGGATTACGACCACCCGGGGGAAAAACCAAGTTGATAGGATCGAAGAGTCGAGATAAGGA-3'
Protein context (NP_006339.4, residues 468-488): LVFPPGGRNP[Pro478Ser]SSDELDGIIK

ClinVar aggregate classification (germline): Uncertain significance (1 of 4 stars; one submission).

Conditions:
COG5-congenital disorder of glycosylation. Also called: COG5-CDG; CDG IIi; CONGENITAL DISORDER OF GLYCOSYLATION, TYPE IIi. Identifiers: Orphanet 263487, MedGen C3150876, MONDO:0013325, OMIM 613612.

Allele frequency attached by ClinVar (database versions not stated): gnomAD exomes 0.00001.
gnomAD v4.1: 9 of 1,613,988 alleles (0.00056%); highest among the groups gnomAD compares: African/African-American, 0.0013%; no homozygotes.

Submission:

Labcorp Genetics (formerly Invitae), Labcorp
Classification: Uncertain significance for COG5-congenital disorder of glycosylation. Last evaluated: 2022-07-01. Review status: criteria provided, single submitter. Criteria: Invitae Variant Classification Sherloc (09022015). Collection method: clinical testing. Allele origin: germline.
Comment: In summary, the available evidence is currently insufficient to determine the role of this variant in disease. Therefore, it has been classified as a Variant of Uncertain Significance. Algorithms developed to predict the effect of missense changes on protein structure and function are either unavailable or do not agree on the potential impact of this missense change (SIFT: "Tolerated"; PolyPhen-2: "Probably Damaging"; Align-GVGD: "Class C0"). ClinVar contains an entry for this variant (Variation ID: 1429774). This variant has not been reported in the literature in individuals affected with COG5-related conditions. This variant is present in population databases (no rsID available, gnomAD 0.002%). This sequence change replaces proline, which is neutral and non-polar, with serine, which is neutral and polar, at codon 509 of the COG5 protein (p.Pro509Ser).